The following is an entry in ClinVar:

NM_000094.4(COL7A1):c.6500C>T (p.Pro2167Leu)

Gene: COL7A1 (collagen type VII alpha 1 chain; minus strand). Cytogenetic location: 3p21.31.
Variant type: single nucleotide variant.
Coding change: c.6500C>T on transcript NM_000094.4 (MANE Select); coding-DNA position 6500, C replaced by T.
Protein change: p.Pro2167Leu; replaces proline 2167 with leucine.
Molecular consequence: missense variant.
Genome position (GRCh38, 1-based): chr3:48,574,263, G>A on the plus strand (C>T on the coding strand, the complement: COL7A1 is on the minus strand). VCF-style: chr3-48574263-G-A. GRCh37 (hg19) VCF-style: chr3-48611696-G-A.
Other names: short protein forms P2167L.
Identifiers: ClinVar variation 783309 (VCV000783309.13), dbSNP rs200473808, ClinGen allele CA2379010.

ClinVar aggregate classification (germline): Benign. Review status: criteria provided, single submitter (1 of 4 stars). 3 submissions from 3 submitters: Benign (1). 2 of the submissions do not count toward it. Last evaluated 2026-01-25.

Conditions:
COL7A1-related disorder. Also called: COL7A1- related disorders; COL7A1-related condition.
Epidermolysis bullosa dystrophica inversa, autosomal recessive. Identifiers: MedGen C2673612.

Allele frequency attached by ClinVar (database versions not stated): gnomAD 0.00010 and 0.00011; gnomAD exomes 0.00024 and 0.00124; 1000 Genomes Project 0.00040; 1000 Genomes Project 30x 0.00047; TOPMed 0.00048; ExAC 0.00108.
gnomAD v4.1: 362 of 1,613,946 alleles (0.022%); highest among the groups gnomAD compares: Admixed American, 0.56%; 1 homozygote.

Submissions (3):

Labcorp Genetics (formerly Invitae), Labcorp
Classification: Benign. Last evaluated: 2026-01-25. Review status: criteria provided, single submitter. Criteria: Invitae Variant Classification Sherloc (09022015). Collection method: clinical testing. Allele origin: germline.

Natera, Inc.
Classification: Likely benign for Autosomal recessive epidermolysis bullosa dystrophica inversa. Last evaluated: 2020-01-07. Review status: no assertion criteria provided. Collection method: clinical testing. Allele origin: germline. Not counted in ClinVar's aggregate classification.

PreventionGenetics, part of Exact Sciences
Classification: Benign for COL7A1-related condition. Last evaluated: 2019-08-01. Review status: no assertion criteria provided. Collection method: clinical testing. Allele origin: germline. Not counted in ClinVar's aggregate classification.
Comment: This variant is classified as benign based on ACMG/AMP sequence variant interpretation guidelines (Richards et al. 2015 PMID: 25741868, with internal and published modifications).